The following is an entry in ClinVar:

NM_001458.5(FLNC):c.5155C>T (p.Arg1719Cys)

Gene: FLNC (filamin C; plus strand). Cytogenetic location: 7q32.1.
Variant type: single nucleotide variant.
Coding change: c.5155C>T on transcript NM_001458.5 (MANE Select); coding-DNA position 5155, C replaced by T.
Protein change: p.Arg1719Cys; replaces arginine 1719 with cysteine.
Molecular consequence: missense variant.
Genome position (GRCh38, 1-based): chr7:128,849,534, C>T. VCF-style: chr7-128849534-C-T. GRCh37 (hg19) VCF-style: chr7-128489588-C-T.
Other names: c.5155C>T, p.Arg1719Cys (NM_001127487.2); short protein forms R1719C.
Identifiers: ClinVar variation 472088 (VCV000472088.13), dbSNP rs773260834, ClinGen allele CA4475568.

ClinVar aggregate classification (germline): Uncertain significance. Review status: criteria provided, multiple submitters, no conflicts (2 of 4 stars). 3 submissions from 3 submitters: Uncertain significance (3). Last evaluated 2025-10-18.

Conditions:
Distal myopathy with posterior leg and anterior hand involvement. Also called: WILLIAMS DISTAL MYOPATHY. Identifiers: Orphanet 63273, MedGen C3279722, MONDO:0013550, OMIM 614065.
Myofibrillar myopathy 5. Also called: Filaminopathy (type); FILAMINOPATHY, AUTOSOMAL DOMINANT. Identifiers: Orphanet 171445, MedGen C1836050, MONDO:0012289, OMIM 609524.
Hypertrophic cardiomyopathy 26. Also called: Cardiomyopathy, familial hypertrophic, 26. Identifiers: Orphanet 75249, MedGen C4310749, MONDO:0014883, OMIM 617047.
Cardiovascular phenotype. Identifiers: MedGen CN230736.

Allele frequency attached by ClinVar (database versions not stated): ExAC 0.00001; gnomAD exomes 0.00001; TOPMed 0.00002.
gnomAD v4.1: 14 of 1,614,154 alleles (0.00087%); highest among the groups gnomAD compares: East Asian, 0.0022%; no homozygotes.

Submissions (3):

Labcorp Genetics (formerly Invitae), Labcorp
Classification: Uncertain significance for Distal myopathy with posterior leg and anterior hand involvement; Myofibrillar myopathy 5; Hypertrophic cardiomyopathy 26. Last evaluated: 2025-10-18. Review status: criteria provided, single submitter. Criteria: Invitae Variant Classification Sherloc (09022015). Collection method: clinical testing. Allele origin: germline.
Comment: This sequence change replaces arginine, which is basic and polar, with cysteine, which is neutral and slightly polar, at codon 1719 of the FLNC protein (p.Arg1719Cys). This variant is present in population databases (rs773260834, gnomAD 0.003%). This missense change has been observed in individual(s) with hypertrophic cardiomyopathy (PMID: 39554508). ClinVar contains an entry for this variant (Variation ID: 472088). Invitae Evidence Modeling of protein sequence and biophysical properties (such as structural, functional, and spatial information, amino acid conservation, physicochemical variation, residue mobility, and thermodynamic stability) has been performed for this missense variant. However, the output from this modeling did not meet the statistical confidence thresholds required to predict the impact of this variant on FLNC protein function. In summary, the available evidence is currently insufficient to determine the role of this variant in disease. Therefore, it has been classified as a Variant of Uncertain Significance.

Ambry Genetics
Classification: Uncertain significance for Cardiovascular phenotype. Last evaluated: 2022-12-16. Review status: criteria provided, single submitter. Criteria: Ambry Variant Classification Scheme 2023. Collection method: clinical testing. Allele origin: germline.
Comment: The p.R1719C variant (also known as c.5155C>T), located in coding exon 30 of the FLNC gene, results from a C to T substitution at nucleotide position 5155. The arginine at codon 1719 is replaced by cysteine, an amino acid with highly dissimilar properties. This amino acid position is conserved. In addition, this alteration is predicted to be deleterious by in silico analysis. Since supporting evidence is limited at this time, the clinical significance of this alteration remains unclear.

GeneDx
Classification: Uncertain significance. Last evaluated: 2020-08-10. Review status: criteria provided, single submitter. Criteria: GeneDx Variant Classification Process June 2021. Collection method: clinical testing. Allele origin: germline. Affected: yes.
Comment: Not observed at a significant frequency in large population cohorts (Lek et al., 2016); In silico analysis supports that this missense variant has a deleterious effect on protein structure/function; Has not been previously published as pathogenic or benign to our knowledge

Literature cited by the submitters: PubMed 39554508 (cited by Labcorp Genetics (formerly Invitae), Labcorp).